The following is an entry in ClinVar:

ClinVar aggregate classification (germline): Uncertain significance (1 of 4 stars; one submission).

Submission:

Women's Health and Genetics/Laboratory Corporation of America, LabCorp
Classification: Uncertain significance. Last evaluated: 2017-11-06. Review status: criteria provided, single submitter. Criteria: LabCorp Variant Classification Summary - May 2015. Collection method: clinical testing. Allele origin: germline.
Comment: Variant summary: The TGFBR2 c.1397-157_1397-153delTCTTA variant involves the deletion of a stretch of 5 adjacent intronic nucleotides. One in silico tool predicts a benign outcome for this variant. 3/5 splice prediction tools predict significant impact on a cryptic splicing acceptor site. However, these predictions have yet to be confirmed by functional studies. This variant is absent in 30986 control chromosomes. The variant of interest has not, to our knowledge, been reported in affected individuals via publications and/or reputable databases/clinical diagnostic laboratories; nor evaluated for functional impact by in vivo/vitro studies. Because of the absence of clinical information and the lack of functional studies, the variant is classified as a variant of uncertain significance (VUS) until additional information becomes available.

NM_003242.6(TGFBR2):c.1397-157_1397-153del

Gene: TGFBR2 (transforming growth factor beta receptor 2; plus strand). Cytogenetic location: 3p24.1.
Variant type: Microsatellite.
Coding change: c.1397-157_1397-153del on transcript NM_003242.6 (MANE Select); 157 bases into the intron before coding-DNA position 1397 through 153 bases into the intron before coding-DNA position 1397, 5 bases deleted (TCTTA; older notation c.1397-157_1397-153delTCTTA).
Molecular consequence: intron variant.
Genome position (GRCh38, 1-based): chr3:30,688,227-30,688,231, TCTTA deleted; deleting any 5 consecutive bases within chr3:30,688,222-30,688,231 gives the same sequence; the c. name uses the placement nearest the transcript's 3' end. VCF-style (leftmost placement, unchanged base first): chr3-30688221-TTCTTA-T. GRCh37 (hg19) VCF-style: chr3-30729713-TTCTTA-T.
Other names: c.1397-157_1397-153delTCTTA (NM_003242.5); c.1400-157_1400-153del (NM_001407129.1); c.1292-157_1292-153del (NM_001407132.1, NM_001407136.1, NM_001407133.1 and 2 more transcripts); c.1580-157_1580-153del (NM_001407126.1); c.1472-157_1472-153del (NM_001024847.3); c.530-160_530-156del (NM_001407139.1); c.1112-157_1112-153del (NM_001407137.1); c.1505-157_1505-153del (NM_001407127.1); and 3 more.
Identifiers: ClinVar variation 633439 (VCV000633439.2), dbSNP rs1279882821, ClinGen allele CA541687511.